The following is an entry in ClinVar:

ClinVar aggregate classification (germline): Uncertain significance (1 of 4 stars; one submission).

Conditions:
Hereditary cancer-predisposing syndrome. Also called: Hereditary Cancer Syndrome; Neoplastic Syndromes, Hereditary; Tumor predisposition; Hereditary neoplastic syndrome. Identifiers: Orphanet 140162, MedGen C0027672, MeSH D009386, MONDO:0015356.

Submission:

Ambry Genetics
Classification: Uncertain significance for Hereditary cancer-predisposing syndrome. Last evaluated: 2017-07-27. Review status: criteria provided, single submitter. Criteria: Ambry Variant Classification Scheme 2023. Collection method: clinical testing. Allele origin: germline.
Comment: The c.1060_1071del12 variant (also known as p.L354_S357del) is located in coding exon 9 of the CHEK2 gene. This variant results from an in-frame deletion of 12 nucleotide at positions 1060 to 1071. This results in the in-frame deletion of 4 amino acids between codons 354 and 357. Since supporting evidence is limited at this time, the clinical significance of this alteration remains unclear.

NM_007194.4(CHEK2):c.1060_1071del (p.Leu354_Ser357del)

Gene: CHEK2 (checkpoint kinase 2; minus strand). Cytogenetic location: 22q12.1.
Variant type: Deletion.
Coding change: c.1060_1071del on transcript NM_007194.4 (MANE Select); coding-DNA positions 1060 to 1071, 12 bases deleted (TTACTGTCATCT).
Protein change: p.Leu354_Ser357del.
Molecular consequence: inframe deletion. On other transcripts: intron variant (3).
Genome position (GRCh38, 1-based): chr22:28,696,925-28,696,936, AGATGACAGTAA deleted on the plus strand (TTACTGTCATCT on the coding strand, the reverse complement: CHEK2 is on the minus strand); deleting any 12 consecutive bases within chr22:28,696,925-28,696,937 gives the same sequence; the c. name uses the placement nearest the transcript's 3' end. VCF-style (leftmost placement, unchanged base first): chr22-28696924-GAGATGACAGTAA-G. GRCh37 (hg19) VCF-style: chr22-29092912-GAGATGACAGTAA-G.
Other names: c.1189_1200del, p.Leu397_Ser400del (NM_001005735.3); c.397_408del, p.Leu133_Ser136del (NM_001257387.3, NM_001437942.1); c.859_870del, p.Leu287_Ser290del (NM_001349956.3); c.1153_1164del, p.Leu385_Ser388del (NM_001438293.1); c.1009-1063_1009-1052del (NM_145862.3); c.1102-1063_1102-1052del (NM_001438295.1); c.1138-1063_1138-1052del (NM_001438294.1).
Identifiers: ClinVar variation 479603 (VCV000479603.5), dbSNP rs1555914264, ClinGen allele CA658656835.